The following is an entry in ClinVar:

NM_014633.5(CTR9):c.3132C>T (p.Asp1044=)

Gene: CTR9 (CTR9 component of Paf1/RNA polymerase II complex; plus strand). Cytogenetic location: 11p15.4.
Variant type: single nucleotide variant.
Coding change: c.3132C>T on transcript NM_014633.5 (MANE Select); coding-DNA position 3132, C replaced by T.
Protein change: p.Asp1044=; no amino-acid change (aspartic acid 1044 retained).
Molecular consequence: synonymous variant.
Genome position (GRCh38, 1-based): chr11:10,778,715, C>T. VCF-style: chr11-10778715-C-T. GRCh37 (hg19) VCF-style: chr11-10800262-C-T.
Other names: c.3060C>T, p.Asp1020= (NM_001346279.2).
Identifiers: ClinVar variation 2175170 (VCV002175170.28), dbSNP rs759447696, ClinGen allele CA5885521.
Genomic context (GRCh38, chr11:10,778,715, plus strand): 5'-CTAACCAATGATCATCTTTGCCAGACATCCCAGGAACAGCAACAGCAACAGTGACTCAGA[C>T]GAGGACGAACAACGAAAGAAATGTGCCTCATCAGAGAGTGATTCCGATGAGAACCAGAAC-3'
Protein context (NP_055448.1, residues 1034-1054): PRNSNSNSDS[Asp1044=]EDEQRKKCAS

ClinVar aggregate classification (germline): Likely benign. Review status: criteria provided, multiple submitters, no conflicts (2 of 4 stars). 2 submissions from 2 submitters: Likely benign (2). Last evaluated 2024-10-10.

Allele frequency attached by ClinVar (database versions not stated): ExAC 0.00001; gnomAD exomes 0.00001; gnomAD 0.00003; TOPMed 0.00003.
gnomAD v4.1: 26 of 1,613,712 alleles (0.0016%); highest among the groups gnomAD compares: East Asian, 0.0089%; no homozygotes.

Submissions (2):

Labcorp Genetics (formerly Invitae), Labcorp
Classification: Likely benign. Last evaluated: 2024-10-10. Review status: criteria provided, single submitter. Criteria: Invitae Variant Classification Sherloc (09022015). Collection method: clinical testing. Allele origin: germline.

CeGaT Center for Human Genetics Tuebingen
Classification: Likely benign. Last evaluated: 2023-04-01. Review status: criteria provided, single submitter. Criteria: CeGaT Center For Human Genetics Tuebingen Variant Classification Criteria Version 2. Collection method: clinical testing. Allele origin: germline. Affected: yes. Observed: 1 variant allele.
Comment: CTR9: BP4, BP7